The following is an entry in ClinVar:

NM_001112741.2(KCNC1):c.*6C>T

Gene: KCNC1 (potassium voltage-gated channel subfamily C member 1; plus strand). Cytogenetic location: 11p15.1.
Variant type: single nucleotide variant.
Coding change: c.*6C>T on transcript NM_001112741.2 (MANE Select); 6 bases downstream of the stop codon, C replaced by T.
Molecular consequence: 3 prime UTR variant.
Genome position (GRCh38, 1-based): chr11:17,781,740, C>T. VCF-style: chr11-17781740-C-T. GRCh37 (hg19) VCF-style: chr11-17803287-C-T.
Identifiers: ClinVar variation 3385238 (VCV003385238.1).

ClinVar aggregate classification (germline): Uncertain significance (1 of 4 stars; one submission).

Submission:

Women's Health and Genetics/Laboratory Corporation of America, LabCorp
Classification: Uncertain significance. Last evaluated: 2024-10-17. Review status: criteria provided, single submitter. Criteria: LabCorp Variant Classification Summary - May 2015. Collection method: clinical testing. Allele origin: germline.
Comment: Variant summary: KCNC1 c.*6C>T is located in the untranslated mRNA region downstream of the termination codon. The variant was absent in 153988 control chromosomes. The available data on variant occurrences in the general population are insufficient to allow any conclusion about variant significance. To our knowledge, no occurrence of c.*6C>T in individuals affected with Epilepsy, Progressive Myoclonic 7 and no experimental evidence demonstrating its impact on protein function have been reported. No submitters have cited clinical-significance assessments for this variant to ClinVar. Based on the evidence outlined above, the variant was classified as uncertain significance.